The following is an entry in ClinVar:

ClinVar aggregate classification (germline): Uncertain significance. Review status: criteria provided, multiple submitters, no conflicts (2 of 4 stars). 4 submissions from 4 submitters: Uncertain significance (4). Last evaluated 2025-08-28.

Conditions:
Cohen syndrome (COH1). Also called: PEPPER SYNDROME; Cutis verticis gyrata, retinitis pigmentosa, and sensorineural deafness. Identifiers: Orphanet 193, MedGen C0265223, MONDO:0008999, OMIM 216550.
VPS13B-related disorder. Also called: VPS13B-related condition.
Inborn genetic diseases. Identifiers: MedGen C0950123, MeSH D030342.

Allele frequency attached by ClinVar (database versions not stated): gnomAD exomes 0.00001; ExAC 0.00002; gnomAD 0.00008; TOPMed 0.00008; 1000 Genomes Project 30x 0.00016; 1000 Genomes Project 0.00020.
gnomAD v4.1: 22 of 1,614,178 alleles (0.0014%); highest among the groups gnomAD compares: African/African-American, 0.024%; no homozygotes.

Submissions (4):

PreventionGenetics, part of Exact Sciences
Classification: Uncertain significance for VPS13B-related condition. Last evaluated: 2025-08-28. Review status: criteria provided, single submitter. Criteria: ACMG Guidelines, 2015. Collection method: clinical testing. Allele origin: germline.
Comment: The VPS13B c.10181T>G variant is predicted to result in the amino acid substitution p.Ile3394Ser. To our knowledge, this variant has not been reported in the literature. This variant is reported in 0.032% of alleles in individuals of African descent in gnomAD. At this time, the clinical significance of this variant is uncertain due to the absence of conclusive functional and genetic evidence.

Ambry Genetics
Classification: Uncertain significance for Inborn genetic diseases. Last evaluated: 2025-03-18. Review status: criteria provided, single submitter. Criteria: Ambry Variant Classification Scheme 2023. Collection method: clinical testing. Allele origin: germline.

Labcorp Genetics (formerly Invitae), Labcorp
Classification: Uncertain significance for Cohen syndrome. Last evaluated: 2024-09-08. Review status: criteria provided, single submitter. Criteria: Invitae Variant Classification Sherloc (09022015). Collection method: clinical testing. Allele origin: germline.
Comment: This sequence change replaces isoleucine, which is neutral and non-polar, with serine, which is neutral and polar, at codon 3419 of the VPS13B protein (p.Ile3419Ser). This variant is present in population databases (rs568879276, gnomAD 0.03%). This variant has not been reported in the literature in individuals affected with VPS13B-related conditions. ClinVar contains an entry for this variant (Variation ID: 2167179). Invitae Evidence Modeling of protein sequence and biophysical properties (such as structural, functional, and spatial information, amino acid conservation, physicochemical variation, residue mobility, and thermodynamic stability) indicates that this missense variant is not expected to disrupt VPS13B protein function with a negative predictive value of 80%. In summary, the available evidence is currently insufficient to determine the role of this variant in disease. Therefore, it has been classified as a Variant of Uncertain Significance.

Blueprint Genetics
Classification: Uncertain significance. Last evaluated: 2022-09-09. Review status: criteria provided, single submitter. Criteria: ACMG Guidelines, 2015. Collection method: clinical testing. Allele origin: germline.

NM_152564.5(VPS13B):c.10181T>G (p.Ile3394Ser)

Gene: VPS13B (vacuolar protein sorting 13 homolog B; plus strand). Cytogenetic location: 8q22.2.
Variant type: single nucleotide variant.
Coding change: c.10181T>G on transcript NM_152564.5 (MANE Select); coding-DNA position 10181, T replaced by G.
Protein change: p.Ile3394Ser; replaces isoleucine 3394 with serine.
Molecular consequence: missense variant.
Genome position (GRCh38, 1-based): chr8:99,853,570, T>G. VCF-style: chr8-99853570-T-G. GRCh37 (hg19) VCF-style: chr8-100865798-T-G.
Other names: c.10256T>G, p.Ile3419Ser (NM_017890.5); c.10256T>G (NM_017890.3); short protein forms I3419S, I3394S.
Identifiers: ClinVar variation 2167179 (VCV002167179.5), dbSNP rs568879276, ClinGen allele CA4824906.
Genomic context (GRCh38, chr8:99,853,570, plus strand): 5'-TTGATGACCTCACCCACCACAAAGCATCAGCTGAGCTTCTGAGACTCACACTGGACAACA[T>G]TTTTCTCTGTGTGGCCCCGGGAGCTGGTCCCCTCCCTGGGGAAGAGCCTGTGGCTGCGTT-3'
Protein context (NP_689777.3, residues 3384-3404): AELLRLTLDN[Ile3394Ser]FLCVAPGAGP